The following is an entry in ClinVar:

ClinVar aggregate classification (germline): Likely benign. Review status: criteria provided, multiple submitters, no conflicts (2 of 4 stars). 3 submissions from 3 submitters: Likely benign (3). Last evaluated 2020-11-28.

Conditions:
Hereditary breast ovarian cancer syndrome. Also called: Hereditary breast and ovarian cancer syndrome (HBOC); Hereditary breast and ovarian cancer syndrome; Breast and ovarian cancer; Hereditary breast and/or ovarian cancer syndrome; Hereditary breast and ovarian cancer; BRCA1- and BRCA2-Associated Hereditary Breast and Ovarian Cancer. Identifiers: Orphanet 145, MedGen C0677776, MeSH D061325, MONDO:0003582. Disease mechanism: loss of function.
Hereditary cancer-predisposing syndrome. Also called: Neoplastic Syndromes, Hereditary; Hereditary Cancer Syndrome; Hereditary neoplastic syndrome; Tumor predisposition. Identifiers: Orphanet 140162, MedGen C0027672, MeSH D009386, MONDO:0015356.

Submissions (3):

Ambry Genetics
Classification: Likely benign for Hereditary cancer-predisposing syndrome. Last evaluated: 2020-11-28. Review status: criteria provided, single submitter. Criteria: Ambry Variant Classification Scheme 2023. Collection method: clinical testing. Allele origin: germline.

GeneDx
Classification: Likely benign. Last evaluated: 2017-12-27. Review status: criteria provided, single submitter. Criteria: GeneDx Variant Classification (06012015). Collection method: clinical testing. Allele origin: germline. Affected: yes.
Comment: This variant is considered likely benign or benign based on one or more of the following criteria: it is a conservative change, it occurs at a poorly conserved position in the protein, it is predicted to be benign by multiple in silico algorithms, and/or has population frequency not consistent with disease.

Labcorp Genetics (formerly Invitae), Labcorp
Classification: Likely benign for Hereditary breast ovarian cancer syndrome. Last evaluated: 2017-01-16. Review status: criteria provided, single submitter. Criteria: Invitae Variant Classification Sherloc (09022015). Collection method: clinical testing. Allele origin: germline.

NM_000059.4(BRCA2):c.9276T>C (p.Tyr3092=)

Gene: BRCA2 (BRCA2 DNA repair associated; plus strand). Cytogenetic location: 13q13.1.
Variant type: single nucleotide variant.
Coding change: c.9276T>C on transcript NM_000059.4 (MANE Select); coding-DNA position 9276, T replaced by C.
Protein change: p.Tyr3092=; no amino-acid change (tyrosine 3092 retained).
Molecular consequence: synonymous variant.
Genome position (GRCh38, 1-based): chr13:32,394,708, T>C. VCF-style: chr13-32394708-T-C. GRCh37 (hg19) VCF-style: chr13-32968845-T-C.
Identifiers: ClinVar variation 462520 (VCV000462520.11), dbSNP rs80359197, ClinGen allele CA483270988.
Genomic context (GRCh38, chr13:32,394,708, plus strand): 5'-CACATCTATAATAACATTCTTTTCTTTTTTTTCCATTCTAGGACTTGCCCCTTTCGTCTA[T>C]TTGTCAGACGAATGTTACAATTTACTGGCAATAAAGTTTTGGATAGACCTTAATGAGGAC-3'
Protein context (NP_000050.3, residues 3082-3102): VKKTGLAPFV[Tyr3092=]LSDECYNLLA